The following is an entry in ClinVar:

NC_000018.9:g.76841645_78077248del1235604

Genes: ADNP2 (ADNP homeobox 2; plus strand), ATP9B (ATPase phospholipid transporting 9B; plus strand), CTDP1 (CTD phosphatase 1; plus strand), HSBP1L1 (heat shock factor binding protein 1 like 1; plus strand), KCNG2 (potassium voltage-gated channel modifier subfamily G member 2; plus strand) and 5 more. Cytogenetic location: 18q23.
Variant type: Deletion.
Identifiers: ClinVar variation 242602 (VCV000242602.2).

ClinVar aggregate classification (germline): Pathogenic (0 of 4 stars; one submission).

Conditions:
Choanal atresia-hearing loss-cardiac defects-craniofacial dysmorphism syndrome (BMKS). Also called: Burn-McKeown Syndrome (BMKS); Burn-McKeown syndrome; Branchio oculo facial syndrome Hing type; OCULOOTOFACIAL DYSPLASIA. Identifiers: Orphanet 1200, MedGen C1837822, MONDO:0012064, OMIM 608572.

Submission:

GeneReviews
Classification: Pathogenic for Choanal atresia-hearing loss-cardiac defects-craniofacial dysmorphism syndrome. Last evaluated: 2016-03-28. Review status: no assertion criteria provided. Collection method: literature only. Allele origin: germline. Affected: yes.
Comment: Heterozygous whole-gene deletion

Literature cited by the submitters: PubMed 25434003.